The following is an entry in ClinVar:

NM_001009944.3(PKD1):c.12507C>T (p.Ser4169=)

Gene: PKD1 (polycystin 1, transient receptor potential channel interacting; minus strand). Cytogenetic location: 16p13.3.
Variant type: single nucleotide variant.
Coding change: c.12507C>T on transcript NM_001009944.3 (MANE Select); coding-DNA position 12507, C replaced by T.
Protein change: p.Ser4169=; no amino-acid change (serine 4169 retained).
Molecular consequence: synonymous variant.
Genome position (GRCh38, 1-based): chr16:2,090,132, G>A on the plus strand (C>T on the coding strand, the complement: PKD1 is on the minus strand). VCF-style: chr16-2090132-G-A. GRCh37 (hg19) VCF-style: chr16-2140133-G-A.
Other names: p.Ser4169=; c.12504C>T, p.Ser4168= (NM_000296.4).
Identifiers: ClinVar variation 4684040 (VCV004684040.1).

ClinVar aggregate classification (germline): Likely benign (1 of 4 stars; one submission).

gnomAD v4.1: 13 of 1,596,954 alleles (0.00081%); highest among the groups gnomAD compares: South Asian, 0.0056%; no homozygotes.

Submission:

Mayo Clinic Laboratories, Mayo Clinic
Classification: Likely benign. Last evaluated: 2025-07-25. Review status: criteria provided, single submitter. Criteria: ACMG Guidelines, 2015. Collection method: clinical testing. Allele origin: germline. Observed: 1 variant allele.
Comment: BP4, BP7